The following is an entry in ClinVar:

ClinVar aggregate classification (germline): Likely benign (1 of 4 stars; one submission).

Submission:

CeGaT Center for Human Genetics Tuebingen
Classification: Likely benign. Last evaluated: 2026-05-01. Review status: criteria provided, single submitter. Criteria: CeGaT Center For Human Genetics Tuebingen Variant Classification Criteria Version 2. Collection method: clinical testing. Allele origin: germline. Affected: yes. Observed: 1 variant allele.
Comment: NONO: PM2:Supporting, BP4, BP7

NM_007363.5(NONO):c.873G>A (p.Glu291=)

Gene: NONO (non-POU domain containing octamer binding; plus strand). Cytogenetic location: Xq13.1.
Variant type: single nucleotide variant.
Coding change: c.873G>A on transcript NM_007363.5 (MANE Select); coding-DNA position 873, G replaced by A.
Protein change: p.Glu291=; no amino-acid change (glutamic acid 291 retained).
Molecular consequence: synonymous variant.
Genome position (GRCh38, 1-based): chrX:71,296,977, G>A. VCF-style: chrX-71296977-G-A. GRCh37 (hg19) VCF-style: chrX-70516827-G-A.
Other names: c.873G>A, p.Glu291= (NM_001145408.2, NM_001145409.2); c.606G>A, p.Glu202= (NM_001145410.2).
Identifiers: ClinVar variation 4873514 (VCV004873514.2).